The following is an entry in ClinVar:

NM_021831.6(AGBL5):c.241G>A (p.Gly81Arg)

Gene: AGBL5 (AGBL carboxypeptidase 5; plus strand). Cytogenetic location: 2p23.3.
Variant type: single nucleotide variant.
Coding change: c.241G>A on transcript NM_021831.6 (MANE Select); coding-DNA position 241, G replaced by A.
Protein change: p.Gly81Arg; replaces glycine 81 with arginine.
Molecular consequence: missense variant. On other transcripts: non-coding transcript variant (2).
Genome position (GRCh38, 1-based): chr2:27,053,427, G>A. VCF-style: chr2-27053427-G-A. GRCh37 (hg19) VCF-style: chr2-27276295-G-A.
Other names: c.241G>A, p.Gly81Arg (NM_001035507.3); c.241G>A (NM_021831.5); short protein forms G81R.
Identifiers: ClinVar variation 1423877 (VCV001423877.9), dbSNP rs759641961, ClinGen allele CA1567597.

ClinVar aggregate classification (germline): Uncertain significance. Review status: criteria provided, multiple submitters, no conflicts (2 of 4 stars). 2 submissions from 2 submitters: Uncertain significance (2). Last evaluated 2026-08-17.

Conditions:
Inborn genetic diseases. Identifiers: MedGen C0950123, MeSH D030342.

Allele frequency attached by ClinVar (database versions not stated): TOPMed below 0.00001; ExAC 0.00001; gnomAD exomes 0.00001.
gnomAD v4.1: 4 of 1,614,092 alleles (0.00025%); highest among the groups gnomAD compares: Admixed American, 0.0067%; no homozygotes.

Submissions (2):

Ambry Genetics
Classification: Uncertain significance for Inborn genetic diseases. Last evaluated: 2026-08-17. Review status: criteria provided, single submitter. Criteria: Ambry Variant Classification Scheme 2023. Collection method: clinical testing. Allele origin: germline.

Labcorp Genetics (formerly Invitae), Labcorp
Classification: Uncertain significance. Last evaluated: 2021-04-27. Review status: criteria provided, single submitter. Criteria: Invitae Variant Classification Sherloc (09022015). Collection method: clinical testing. Allele origin: germline.
Comment: This sequence change replaces glycine with arginine at codon 81 of the AGBL5 protein (p.Gly81Arg). The glycine residue is moderately conserved and there is a moderate physicochemical difference between glycine and arginine. Algorithms developed to predict the effect of missense changes on protein structure and function are either unavailable or do not agree on the potential impact of this missense change (SIFT: "Tolerated"; PolyPhen-2: "Possibly Damaging"; Align-GVGD: "Class C0"). This variant is present in population databases (rs759641961, ExAC 0.009%). This variant has not been reported in the literature in individuals with AGBL5-related conditions. In summary, the available evidence is currently insufficient to determine the role of this variant in disease. Therefore, it has been classified as a Variant of Uncertain Significance.